The following is an entry in ClinVar:

ClinVar aggregate classification (germline): Conflicting classifications of pathogenicity. Review status: criteria provided, conflicting classifications (1 of 4 stars). 2 submissions from 2 submitters: Uncertain significance (1); Likely benign (1). Last evaluated 2025-08-25.

Conditions:
Inborn genetic diseases. Identifiers: MedGen C0950123, MeSH D030342.

Allele frequency attached by ClinVar (database versions not stated): gnomAD exomes 0.00001; TOPMed 0.00002.
gnomAD v4.1: 3 of 1,614,052 alleles (0.00019%); highest among the groups gnomAD compares: Admixed American, 0.005%; no homozygotes.

Submissions (2):

Ambry Genetics
Classification: Likely benign for Inborn genetic diseases. Last evaluated: 2025-08-25. Review status: criteria provided, single submitter. Criteria: Ambry Variant Classification Scheme 2023. Collection method: clinical testing. Allele origin: germline.

Labcorp Genetics (formerly Invitae), Labcorp
Classification: Uncertain significance. Last evaluated: 2024-12-02. Review status: criteria provided, single submitter. Criteria: Invitae Variant Classification Sherloc (09022015). Collection method: clinical testing. Allele origin: germline.
Comment: This sequence change replaces lysine, which is basic and polar, with glutamic acid, which is acidic and polar, at codon 49 of the ADGRG1 protein (p.Lys49Glu). This variant is not present in population databases (gnomAD no frequency). This variant has not been reported in the literature in individuals affected with ADGRG1-related conditions. ClinVar contains an entry for this variant (Variation ID: 1422846). Invitae Evidence Modeling of protein sequence and biophysical properties (such as structural, functional, and spatial information, amino acid conservation, physicochemical variation, residue mobility, and thermodynamic stability) indicates that this missense variant is not expected to disrupt ADGRG1 protein function with a negative predictive value of 95%. In summary, the available evidence is currently insufficient to determine the role of this variant in disease. Therefore, it has been classified as a Variant of Uncertain Significance.

NM_201525.4(ADGRG1):c.145A>G (p.Lys49Glu)

Gene: ADGRG1 (adhesion G protein-coupled receptor G1; plus strand). Cytogenetic location: 16q21.
Variant type: single nucleotide variant.
Coding change: c.145A>G on transcript NM_201525.4 (MANE Select); coding-DNA position 145, A replaced by G.
Protein change: p.Lys49Glu; replaces lysine 49 with glutamic acid.
Molecular consequence: missense variant. On other transcripts: 5 prime UTR variant (5), intron variant (2).
Genome position (GRCh38, 1-based): chr16:57,651,280, A>G. VCF-style: chr16-57651280-A-G. GRCh37 (hg19) VCF-style: chr16-57685192-A-G.
Other names: c.145A>G, p.Lys49Glu (NM_001145770.3, NM_001145771.3, NM_001145772.3 and 16 more transcripts); c.160A>G, p.Lys54Glu (NM_001145773.3, NM_001370433.1); c.-381A>G (NM_001290143.2, NM_001290144.2, NM_001370451.1 and 2 more transcripts); c.110+35A>G (NM_001290142.2); c.65-76A>G (NM_001370442.1); c.145A>G (NM_005682.5); short protein forms K49E, K54E.
Identifiers: ClinVar variation 1422846 (VCV001422846.7), dbSNP rs2044021734, ClinGen allele CA396041744.